The following is an entry in ClinVar:

ClinVar aggregate classification (germline): Uncertain significance (3 of 4 stars; one submission).

Conditions:
Monogenic diabetes. Identifiers: Orphanet 183625, MedGen C3888631, MONDO:0015967.

Submission:

ClinGen Monogenic Diabetes Variant Curation Expert Panel
Classification: Uncertain significance for Monogenic diabetes. Last evaluated: 2024-07-29. Review status: reviewed by expert panel. Criteria: ClinGen Diabetes ACMG Specifications HNF1A V2.1.0. Collection method: curation. Allele origin: germline. Inheritance: Autosomal dominant inheritance.
Comment: The c.539C>G variant in the HNF1 homeobox A gene, HNF1A causes an amino acid change of alanine to glycine at codon 180 (p.(Ala180Gly)) of NM_000545.8. This variant was identified in an individual with a clinical history highly specific for HNF1A-MODY (MODY probability calculator result >50%, negative genetic testing for HNF4A, and sensitive to sulfonylurea treatment) (PP4_Moderate; internal lab contributor). This variant is absent from gnomAD v2.1.1 (PM2_Supporting). Another missense variant, c.539C>T (p.Ala180Val) has been classified as a likely benign by the ClinGen MDEP; therefore, PM5 will not be applied. This variant has a REVEL score of 0.492, which is between the ClinGen MDEP thresholds, predicting neither a damaging nor benign impact on HNF1A function. In summary, c.539C>G meets the criteria to be classified as a VUS for monogenic diabetes. ACMG/AMP criteria applied, as specified by the ClinGen MDEP (specification version 2.1.0, approved 8/111/2023): PP4_Moderate, PM2_Supporting.

NM_000545.8(HNF1A):c.539C>G (p.Ala180Gly)

Gene: HNF1A (HNF1 homeobox A; plus strand). Cytogenetic location: 12q24.31.
Variant type: single nucleotide variant.
Coding change: c.539C>G on transcript NM_000545.8 (MANE Select); coding-DNA position 539, C replaced by G.
Protein change: p.Ala180Gly; replaces alanine 180 with glycine.
Molecular consequence: missense variant.
Genome position (GRCh38, 1-based): chr12:120,993,532, C>G. VCF-style: chr12-120993532-C-G. GRCh37 (hg19) VCF-style: chr12-121431335-C-G.
Other names: NM_001306179.2:c.539C>G; c.539C>G, p.Ala180Gly (NM_001306179.2, NM_001406915.1); short protein forms A180G.
Identifiers: ClinVar variation 2574164 (VCV002574164.2), dbSNP rs1060499866, ClinGen allele CA386963548.
Genomic context (GRCh38, chr12:120,993,532, plus strand): 5'-GAAGGTGAGAGTGGCCAGTACCCCACTCACGGCTTTCTGTGCCTGCAGAGTTCACCCATG[C>G]AGGGCAGGGAGGGCTGATTGAAGAGCCCACAGGTGATGAGCTACCAACCAAGAAGGGGCG-3'
Protein context (NP_000536.6, residues 170-190): QREVAQQFTH[Ala180Gly]GQGGLIEEPT